The following is an entry in ClinVar:

ClinVar aggregate classification (germline): Uncertain significance. Review status: criteria provided, multiple submitters, no conflicts (2 of 4 stars). 3 submissions from 3 submitters: Uncertain significance (3). Last evaluated 2025-04-13.

gnomAD v4.1: 32 of 1,549,554 alleles (0.0021%); highest among the groups gnomAD compares: Non-Finnish European, 0.0027%; no homozygotes.

Submissions (3):

GeneDx
Classification: Uncertain significance. Last evaluated: 2025-04-13. Review status: criteria provided, single submitter. Criteria: GeneDx Variant Classification Process June 2021. Collection method: clinical testing. Allele origin: germline. Affected: yes.
Comment: In silico analysis supports that this missense variant has a deleterious effect on protein structure/function; Has not been previously published as pathogenic or benign to our knowledge; In silico analysis suggests this variant may impact gene splicing; in the absence of RNA/functional studies the actual effect of this sequence change is unknown

Revvity Omics, Revvity
Classification: Uncertain significance. Last evaluated: 2024-07-29. Review status: criteria provided, single submitter. Criteria: ACMG Guidelines, 2015. Collection method: clinical testing. Allele origin: germline.

ARUP Laboratories, Molecular Genetics and Genomics, ARUP Laboratories
Classification: Uncertain significance. Review status: criteria provided, single submitter. Criteria: ARUP Molecular Germline Variant Investigation Process 2024. Collection method: clinical testing. Allele origin: germline.

NM_001142864.4(PIEZO1):c.4270G>C (p.Asp1424His)

Gene: PIEZO1 (piezo type mechanosensitive ion channel component 1 (Er blood group); minus strand). Cytogenetic location: 16q24.3.
Variant type: single nucleotide variant.
Coding change: c.4270G>C on transcript NM_001142864.4 (MANE Select); coding-DNA position 4270, G replaced by C.
Protein change: p.Asp1424His; replaces aspartic acid 1424 with histidine.
Molecular consequence: missense variant.
Genome position (GRCh38, 1-based): chr16:88,723,936, C>G on the plus strand (G>C on the coding strand, the complement: PIEZO1 is on the minus strand). VCF-style: chr16-88723936-C-G. GRCh37 (hg19) VCF-style: chr16-88790344-C-G.
Other names: c.4270G>C (NM_001142864.2); short protein forms D1424H.
Identifiers: ClinVar variation 4079603 (VCV004079603.3).